The following is an entry in ClinVar:

ClinVar aggregate classification (germline): Uncertain significance. Review status: criteria provided, multiple submitters, no conflicts (2 of 4 stars). 3 submissions from 3 submitters: Uncertain significance (3). Last evaluated 2025-10-18.

Conditions:
Inborn genetic diseases. Identifiers: MedGen C0950123, MeSH D030342.

Allele frequency attached by ClinVar (database versions not stated): TOPMed below 0.00001; gnomAD 0.00001; gnomAD exomes 0.00002; ExAC 0.00007; 1000 Genomes Project 0.00020; 1000 Genomes Project 30x 0.00031.
gnomAD v4.1: 34 of 1,614,098 alleles (0.0021%); highest among the groups gnomAD compares: South Asian, 0.033%; no homozygotes.

Submissions (3):

Ambry Genetics
Classification: Uncertain significance for Inborn genetic diseases. Last evaluated: 2025-10-18. Review status: criteria provided, single submitter. Criteria: Ambry Variant Classification Scheme 2023. Collection method: clinical testing. Allele origin: germline.

Blueprint Genetics
Classification: Uncertain significance. Last evaluated: 2024-10-15. Review status: criteria provided, single submitter. Criteria: ACMG Guidelines, 2015. Collection method: clinical testing. Allele origin: germline.

Labcorp Genetics (formerly Invitae), Labcorp
Classification: Uncertain significance. Last evaluated: 2022-08-03. Review status: criteria provided, single submitter. Criteria: Invitae Variant Classification Sherloc (09022015). Collection method: clinical testing. Allele origin: germline.
Comment: This sequence change replaces isoleucine, which is neutral and non-polar, with threonine, which is neutral and polar, at codon 2793 of the USH2A protein (p.Ile2793Thr). This variant is present in population databases (rs574056130, gnomAD 0.03%). This variant has not been reported in the literature in individuals affected with USH2A-related conditions. Algorithms developed to predict the effect of missense changes on protein structure and function (SIFT, PolyPhen-2, Align-GVGD) all suggest that this variant is likely to be disruptive. In summary, the available evidence is currently insufficient to determine the role of this variant in disease. Therefore, it has been classified as a Variant of Uncertain Significance.

NM_206933.4(USH2A):c.8378T>C (p.Ile2793Thr)

Gene: USH2A (usherin; minus strand). Cytogenetic location: 1q41.
Variant type: single nucleotide variant.
Coding change: c.8378T>C on transcript NM_206933.4 (MANE Select); coding-DNA position 8378, T replaced by C.
Protein change: p.Ile2793Thr; replaces isoleucine 2793 with threonine.
Molecular consequence: missense variant.
Genome position (GRCh38, 1-based): chr1:215,878,944, A>G on the plus strand (T>C on the coding strand, the complement: USH2A is on the minus strand). VCF-style: chr1-215878944-A-G. GRCh37 (hg19) VCF-style: chr1-216052286-A-G.
Other names: c.8378T>C (NM_206933.2); short protein forms I2793T.
Identifiers: ClinVar variation 2143336 (VCV002143336.3), dbSNP rs574056130, ClinGen allele CA1394620.